The following is an entry in ClinVar:

NM_001173990.3(TMEM216):c.344G>T (p.Arg115Leu)

Gene: TMEM216 (transmembrane protein 216; plus strand). Cytogenetic location: 11q12.2.
Variant type: single nucleotide variant.
Coding change: c.344G>T on transcript NM_001173990.3 (MANE Select); coding-DNA position 344, G replaced by T.
Protein change: p.Arg115Leu; replaces arginine 115 with leucine.
Molecular consequence: missense variant.
Genome position (GRCh38, 1-based): chr11:61,397,888, G>T. VCF-style: chr11-61397888-G-T. GRCh37 (hg19) VCF-style: chr11-61165360-G-T.
Other names: c.344G>T (NM_001173990.2); c.344G>T, p.Arg115Leu (NM_001173991.3); c.161G>T, p.Arg54Leu (NM_001330285.2, NM_016499.6); short protein forms R54L, R115L.
Identifiers: ClinVar variation 1357440 (VCV001357440.6), dbSNP rs752216307, ClinGen allele CA380686331.

ClinVar aggregate classification (germline): Uncertain significance. Review status: criteria provided, multiple submitters, no conflicts (2 of 4 stars). 2 submissions from 2 submitters: Uncertain significance (2). Last evaluated 2025-01-22.

Conditions:
Inborn genetic diseases. Identifiers: MedGen C0950123, MeSH D030342.
Joubert syndrome. Also called: CEREBELLOPARENCHYMAL DISORDER IV; JOUBERT-BOLTSHAUSER SYNDROME; Familial aplasia of the vermis. Identifiers: Orphanet 475, MedGen C5979921, MONDO:0018772.

gnomAD v4.1: 4 of 1,613,972 alleles (0.00025%); highest among the groups gnomAD compares: East Asian, 0.0022%; no homozygotes.

Submissions (2):

Ambry Genetics
Classification: Uncertain significance for Inborn genetic diseases. Last evaluated: 2025-01-22. Review status: criteria provided, single submitter. Criteria: Ambry Variant Classification Scheme 2023. Collection method: clinical testing. Allele origin: germline.

Labcorp Genetics (formerly Invitae), Labcorp
Classification: Uncertain significance for Joubert syndrome. Last evaluated: 2022-08-19. Review status: criteria provided, single submitter. Criteria: Invitae Variant Classification Sherloc (09022015). Collection method: clinical testing. Allele origin: germline.
Comment: This sequence change replaces arginine, which is basic and polar, with leucine, which is neutral and non-polar, at codon 115 of the TMEM216 protein (p.Arg115Leu). This variant is present in population databases (no rsID available, gnomAD 0.003%). This variant has not been reported in the literature in individuals affected with TMEM216-related conditions. ClinVar contains an entry for this variant (Variation ID: 1357440). Algorithms developed to predict the effect of missense changes on protein structure and function are either unavailable or do not agree on the potential impact of this missense change (SIFT: "Deleterious"; PolyPhen-2: "Probably Damaging"; Align-GVGD: "Class C0"). In summary, the available evidence is currently insufficient to determine the role of this variant in disease. Therefore, it has been classified as a Variant of Uncertain Significance.